The following is an entry in ClinVar:

ClinVar aggregate classification (germline): Uncertain significance. Review status: criteria provided, multiple submitters, no conflicts (2 of 4 stars). 2 submissions from 2 submitters: Uncertain significance (2). Last evaluated 2025-09-10.

gnomAD v4.1: 1 of 1,613,976 alleles (0.000062%); highest among the groups gnomAD compares: Non-Finnish European, 0.000085%; no homozygotes.

Submissions (2):

GeneDx
Classification: Uncertain significance. Last evaluated: 2025-09-10. Review status: criteria provided, single submitter. Criteria: GeneDx Variant Classification Process June 2021. Collection method: clinical testing. Allele origin: germline.
Comment: Not observed at significant frequency in large population cohorts (gnomAD); In silico analysis suggests that this missense variant does not alter protein structure/function; Has not been previously published as pathogenic or benign to our knowledge

Labcorp Genetics (formerly Invitae), Labcorp
Classification: Uncertain significance. Last evaluated: 2025-03-30. Review status: criteria provided, single submitter. Criteria: Invitae Variant Classification Sherloc (09022015). Collection method: clinical testing. Allele origin: germline.
Comment: This sequence change replaces cysteine, which is neutral and slightly polar, with arginine, which is basic and polar, at codon 711 of the USP7 protein (p.Cys711Arg). This variant is not present in population databases (gnomAD no frequency). This variant has not been reported in the literature in individuals affected with USP7-related conditions. ClinVar contains an entry for this variant (Variation ID: 3384329). An algorithm developed to predict the effect of missense changes on protein structure and function (PolyPhen-2) suggests that this variant is likely to be tolerated. In summary, the available evidence is currently insufficient to determine the role of this variant in disease. Therefore, it has been classified as a Variant of Uncertain Significance.

NM_003470.3(USP7):c.2131T>C (p.Cys711Arg)

Gene: USP7 (ubiquitin specific peptidase 7; minus strand). Cytogenetic location: 16p13.2.
Variant type: single nucleotide variant.
Coding change: c.2131T>C on transcript NM_003470.3 (MANE Select); coding-DNA position 2131, T replaced by C.
Protein change: p.Cys711Arg; replaces cysteine 711 with arginine.
Molecular consequence: missense variant. On other transcripts: non-coding transcript variant (1).
Genome position (GRCh38, 1-based): chr16:8,901,151, A>G on the plus strand (T>C on the coding strand, the complement: USP7 is on the minus strand). VCF-style: chr16-8901151-A-G. GRCh37 (hg19) VCF-style: chr16-8995008-A-G.
Other names: c.2083T>C, p.Cys695Arg (NM_001286457.2); c.1834T>C, p.Cys612Arg (NM_001286458.2); c.1957T>C, p.Cys653Arg (NM_001321858.2); short protein forms C612R, C653R, C695R, C711R.
Identifiers: ClinVar variation 3384329 (VCV003384329.3).
Genomic context (GRCh38, chr16:8,901,151, plus strand): 5'-GTAATGTACTGAGCAAAATCTACTCAGAAGGTAAGTGCACGAAGGACTTACGTATTTTAC[A>G]GGATATTGGTGTGTAGATATGCCCACAGTAATTCAAGCTCCGCGTTTTGGGATCATACAT-3'
Protein context (NP_003461.2, residues 701-721): YCGHIYTPIS[Cys711Arg]KIRDLLPVMC